The following is an entry in ClinVar:

ClinVar aggregate classification (germline): Uncertain significance (1 of 4 stars; one submission).

Submission:

Labcorp Genetics (formerly Invitae), Labcorp
Classification: Uncertain significance. Last evaluated: 2022-07-25. Review status: criteria provided, single submitter. Criteria: Invitae Variant Classification Sherloc (09022015). Collection method: clinical testing. Allele origin: germline.
Comment: This variant results in a copy number gain of the genomic region encompassing exon(s) 2 of the OCA2 gene. This region includes the initiator codon of the gene. This copy number gain extends beyond the assayed region for this gene and therefore may encompass additional genes. As the precise location of this event is unknown, it may be in tandem or it may be located elsewhere in the genome. A similar copy number variant has been observed in individual(s) with OCA2-related conditions (Invitae). In at least one individual the data is consistent with being in trans (on the opposite chromosome) from a pathogenic variant. In summary, the available evidence is currently insufficient to determine the role of this variant in disease. Therefore, it has been classified as a Variant of Uncertain Significance.

NC_000015.9:g.(?_28326774)_(28327020_?)dup

Gene: OCA2 (OCA2 melanosomal transmembrane protein; minus strand). Cytogenetic location: 15q13.1.
Variant type: Duplication.
Identifiers: ClinVar variation 2422777 (VCV002422777.3).